The following is an entry in ClinVar:

NM_001127649.3(PEX26):c.448A>G (p.Asn150Asp)

Gene: PEX26 (peroxisomal biogenesis factor 26; plus strand). Cytogenetic location: 22q11.21.
Variant type: single nucleotide variant.
Coding change: c.448A>G on transcript NM_001127649.3 (MANE Select); coding-DNA position 448, A replaced by G.
Protein change: p.Asn150Asp; replaces asparagine 150 with aspartic acid.
Molecular consequence: missense variant.
Genome position (GRCh38, 1-based): chr22:18,083,513, A>G. VCF-style: chr22-18083513-A-G. GRCh37 (hg19) VCF-style: chr22-18566279-A-G.
Other names: c.448A>G, p.Asn150Asp (NM_001199319.2, NM_017929.6); short protein forms N150D.
Identifiers: ClinVar variation 1898874 (VCV001898874.3), dbSNP rs2517670930, ClinGen allele CA410267487.

ClinVar aggregate classification (germline): Uncertain significance (1 of 4 stars; one submission).

Conditions:
Peroxisome biogenesis disorder 7A (Zellweger). Also called: Peroxisome biogenesis disorder 7A. Identifiers: Orphanet 912, MedGen C3888385, MONDO:0013938, OMIM 614872.
Peroxisome biogenesis disorder 7B (PBD7B). Identifiers: Orphanet 44, MedGen C3553951, MONDO:0013939, OMIM 614873.

Submission:

Labcorp Genetics (formerly Invitae), Labcorp
Classification: Uncertain significance for Peroxisome biogenesis disorder 7A (Zellweger); Peroxisome biogenesis disorder 7B. Last evaluated: 2022-11-15. Review status: criteria provided, single submitter. Criteria: Invitae Variant Classification Sherloc (09022015). Collection method: clinical testing. Allele origin: germline.
Comment: This variant is not present in population databases (gnomAD no frequency). In summary, the available evidence is currently insufficient to determine the role of this variant in disease. Therefore, it has been classified as a Variant of Uncertain Significance. Advanced modeling of protein sequence and biophysical properties (such as structural, functional, and spatial information, amino acid conservation, physicochemical variation, residue mobility, and thermodynamic stability) performed at Invitae indicates that this missense variant is expected to disrupt PEX26 protein function. This variant has not been reported in the literature in individuals affected with PEX26-related conditions. This sequence change replaces asparagine, which is neutral and polar, with aspartic acid, which is acidic and polar, at codon 150 of the PEX26 protein (p.Asn150Asp).